The following is an entry in ClinVar:

NM_001349.4(DARS1):c.676+6C>T

Gene: DARS1 (aspartyl-tRNA synthetase 1; minus strand). Cytogenetic location: 2q21.3.
Variant type: single nucleotide variant.
Coding change: c.676+6C>T on transcript NM_001349.4 (MANE Select); 6 bases into the intron after coding-DNA position 676, C replaced by T.
Molecular consequence: intron variant.
Genome position (GRCh38, 1-based): chr2:135,924,381, G>A on the plus strand (C>T on the coding strand, the complement: DARS1 is on the minus strand). VCF-style: chr2-135924381-G-A. GRCh37 (hg19) VCF-style: chr2-136681951-G-A.
Other names: c.376+6C>T (NM_001293312.1).
Identifiers: ClinVar variation 3080108 (VCV003080108.1), dbSNP rs771748845, ClinGen allele CA1889717.
Genomic context (GRCh38, chr2:135,924,381, plus strand): 5'-ATATAAAGCAACTCTGGGGAGAGCAAATTTATTTTTAAAAATTAAGAGAAATATTTTGAA[G>A]CATACCTGAAATAATTTTAGGAGTTTGGATTTCCACAAAACCTTTGTTAATTAAAGTTTC-3'

ClinVar aggregate classification (germline): Uncertain significance (1 of 4 stars; one submission).

Conditions:
Inborn genetic diseases. Identifiers: MedGen C0950123, MeSH D030342.

Allele frequency attached by ClinVar (database versions not stated): gnomAD exomes below 0.00001; ExAC 0.00001.
gnomAD v4.1: 5 of 1,588,028 alleles (0.00031%); highest among the groups gnomAD compares: Non-Finnish European, 0.00034%; no homozygotes.

Submission:

Ambry Genetics
Classification: Uncertain significance for Inborn genetic diseases. Last evaluated: 2022-09-30. Review status: criteria provided, single submitter. Criteria: Ambry Variant Classification Scheme 2023. Collection method: clinical testing. Allele origin: germline.
Comment: The c.676+6C>T intronic alteration consists of a C to T substitution 6 nucleotides after exon 8 of the DARS gene. Based on insufficient or conflicting evidence, the clinical significance of this alteration remains unclear.